The following is an entry in ClinVar:

NM_005876.5(SPEG):c.8613G>A (p.Glu2871=)

Genes: ASIC4-AS1 (ASIC4 antisense RNA 1; minus strand), SPEG (striated muscle enriched protein kinase; plus strand). Cytogenetic location: 2q35.
Variant type: single nucleotide variant.
Coding change: c.8613G>A on transcript NM_005876.5 (MANE Select); coding-DNA position 8613, G replaced by A.
Protein change: p.Glu2871=; no amino-acid change (glutamic acid 2871 retained).
Molecular consequence: synonymous variant.
Genome position (GRCh38, 1-based): chr2:219,489,631, G>A. VCF-style: chr2-219489631-G-A. GRCh37 (hg19) VCF-style: chr2-220354353-G-A.
Identifiers: ClinVar variation 2651930 (VCV002651930.24), dbSNP rs1271213041, ClinGen allele CA431431912.
Genomic context (GRCh38, chr2:219,489,631, plus strand): 5'-CCTGCAGGCTGCCCGGCCAGCGGAGCCCACCCTACCCAGTACCCACGTCACCCCAAGTGA[G>A]CCCAAGCCTTTCGTCCTTGACACTGGGACCCCGATCCCAGCCTCCACTCCTCAAGGGGTT-3'
Protein context (NP_005867.3, residues 2861-2881): TLPSTHVTPS[Glu2871=]PKPFVLDTGT

ClinVar aggregate classification (germline): Likely benign (1 of 4 stars; one submission).

Allele frequency attached by ClinVar (database versions not stated): gnomAD 0.00001.
gnomAD v4.1: 1 of 1,613,820 alleles (0.000062%); highest among the groups gnomAD compares: East Asian, 0.0022%; no homozygotes.

Submission:

CeGaT Center for Human Genetics Tuebingen
Classification: Likely benign. Last evaluated: 2022-06-01. Review status: criteria provided, single submitter. Criteria: CeGaT Center For Human Genetics Tuebingen Variant Classification Criteria Version 2. Collection method: clinical testing. Allele origin: germline. Affected: yes. Observed: 1 variant allele.
Comment: SPEG: BP4, BP7